The following is an entry in ClinVar:

NM_001379200.1(TBX1):c.652C>T (p.Gln218Ter)

Gene: TBX1 (T-box transcription factor 1; plus strand). Cytogenetic location: 22q11.21.
Variant type: single nucleotide variant.
Coding change: c.652C>T on transcript NM_001379200.1 (MANE Select); coding-DNA position 652, C replaced by T.
Protein change: p.Gln218Ter; replaces glutamine 218 with a stop codon.
Molecular consequence: nonsense.
Genome position (GRCh38, 1-based): chr22:19,764,267, C>T. VCF-style: chr22-19764267-C-T. GRCh37 (hg19) VCF-style: chr22-19751790-C-T.
Other names: c.625C>T, p.Gln209Ter (NM_005992.1, NM_080646.2, NM_080647.1); short protein forms Q209*, Q218*.
Identifiers: ClinVar variation 3908075 (VCV003908075.1).

ClinVar aggregate classification (germline): Pathogenic (1 of 4 stars; one submission).

Submission:

GeneDx
Classification: Pathogenic. Last evaluated: 2024-12-31. Review status: criteria provided, single submitter. Criteria: GeneDx Variant Classification Process June 2021. Collection method: clinical testing. Allele origin: germline. Affected: yes.
Comment: Nonsense variant predicted to result in protein truncation or nonsense mediated decay in a gene for which loss of function is a known mechanism of disease; Not observed at significant frequency in large population cohorts (gnomAD); Has not been previously published as pathogenic or benign to our knowledge